The following is an entry in ClinVar:

ClinVar aggregate classification (germline): Uncertain significance (1 of 4 stars; one submission).

Submission:

GeneDx
Classification: Uncertain significance. Last evaluated: 2024-01-03. Review status: criteria provided, single submitter. Criteria: GeneDx Variant Classification Process June 2021. Collection method: clinical testing. Allele origin: germline. Affected: yes.
Comment: Not observed at significant frequency in large population cohorts (gnomAD); In silico analysis supports that this missense variant does not alter protein structure/function; Has not been previously published as pathogenic or benign to our knowledge

NM_001849.4(COL6A2):c.2022C>G (p.Ile674Met)

Gene: COL6A2 (collagen type VI alpha 2 chain; plus strand). Cytogenetic location: 21q22.3.
Variant type: single nucleotide variant.
Coding change: c.2022C>G on transcript NM_001849.4 (MANE Select); coding-DNA position 2022, C replaced by G.
Protein change: p.Ile674Met; replaces isoleucine 674 with methionine.
Molecular consequence: missense variant.
Genome position (GRCh38, 1-based): chr21:46,125,837, C>G. VCF-style: chr21-46125837-C-G. GRCh37 (hg19) VCF-style: chr21-47545751-C-G.
Other names: c.2022C>G, p.Ile674Met (NM_058174.3, NM_058175.3); short protein forms I674M.
Identifiers: ClinVar variation 3341034 (VCV003341034.1).